The following is an entry in ClinVar:

NM_000211.5(ITGB2):c.1804G>A (p.Glu602Lys)

Gene: ITGB2 (integrin subunit beta 2; minus strand). Cytogenetic location: 21q22.3.
Variant type: single nucleotide variant.
Coding change: c.1804G>A on transcript NM_000211.5 (MANE Select); coding-DNA position 1804, G replaced by A.
Protein change: p.Glu602Lys; replaces glutamic acid 602 with lysine.
Molecular consequence: missense variant.
Genome position (GRCh38, 1-based): chr21:44,889,349, C>T on the plus strand (G>A on the coding strand, the complement: ITGB2 is on the minus strand). VCF-style: chr21-44889349-C-T. GRCh37 (hg19) VCF-style: chr21-46309264-C-T.
Other names: c.1804G>A, p.Glu602Lys (NM_001127491.3); c.1597G>A, p.Glu533Lys (NM_001303238.2); c.1804G>A (LRG_76t1); short protein forms E602K, E533K.
Identifiers: ClinVar variation 340145 (VCV000340145.11), dbSNP rs145850370, ClinGen allele CA10644775.
Genomic context (GRCh38, chr21:44,889,349, plus strand): 5'-AGGGTGAGGGGCAGCCGGGGCACTCCTGGCACAGAGGCAGCTGGTAGCCTGAATGGCACT[C>T]GCATACGTTGCAGCGGCACCGGCCACGACCACTACACTCAACACGCCGCGGGTTCAGGCA-3'
Protein context (NP_000202.3, residues 592-612): GRGRCRCNVC[Glu602Lys]CHSGYQLPLC

ClinVar aggregate classification (germline): Conflicting classifications of pathogenicity. Review status: criteria provided, conflicting classifications (1 of 4 stars). 4 submissions from 4 submitters: Uncertain significance (3); Likely benign (1). Last evaluated 2024-04-23.

Conditions:
Leukocyte adhesion deficiency 1 (LAD1). Also called: LEUKOCYTE ADHESION DEFICIENCY, TYPE I; LAD 1; Lymphocyte function-associated antigen 1 immunodeficiency; LFA 1 immunodeficiency. Identifiers: Orphanet 2968, Orphanet 99842, MedGen C0398738, MONDO:0007293, OMIM 116920.
Inborn genetic diseases. Identifiers: MedGen C0950123, MeSH D030342.

Allele frequency attached by ClinVar (database versions not stated): gnomAD exomes 0.00005; TOPMed 0.00005.
gnomAD v4.1: 77 of 1,612,796 alleles (0.0048%); highest among the groups gnomAD compares: Non-Finnish European, 0.0059%; no homozygotes.

Submissions (4):

Ambry Genetics
Classification: Uncertain significance for Inborn genetic diseases. Last evaluated: 2024-04-23. Review status: criteria provided, single submitter. Criteria: Ambry Variant Classification Scheme 2023. Collection method: clinical testing. Allele origin: germline.

Blueprint Genetics
Classification: Likely benign. Last evaluated: 2022-05-13. Review status: criteria provided, single submitter. Criteria: ACMG Guidelines, 2015. Collection method: clinical testing. Allele origin: germline.

Labcorp Genetics (formerly Invitae), Labcorp
Classification: Uncertain significance for Leukocyte adhesion deficiency 1. Last evaluated: 2022-02-05. Review status: criteria provided, single submitter. Criteria: Invitae Variant Classification Sherloc (09022015). Collection method: clinical testing. Allele origin: germline.
Comment: This sequence change replaces glutamic acid, which is acidic and polar, with lysine, which is basic and polar, at codon 602 of the ITGB2 protein (p.Glu602Lys). This variant is present in population databases (rs145850370, gnomAD 0.005%). This variant has not been reported in the literature in individuals affected with ITGB2-related conditions. ClinVar contains an entry for this variant (Variation ID: 340145). Algorithms developed to predict the effect of missense changes on protein structure and function output the following: SIFT: "Tolerated"; PolyPhen-2: "Benign"; Align-GVGD: "Class C0". The lysine amino acid residue is found in multiple mammalian species, which suggests that this missense change does not adversely affect protein function. In summary, the available evidence is currently insufficient to determine the role of this variant in disease. Therefore, it has been classified as a Variant of Uncertain Significance.

Illumina Laboratory Services, Illumina
Classification: Uncertain significance for Leukocyte adhesion deficiency 1. Last evaluated: 2018-01-13. Review status: criteria provided, single submitter. Criteria: ICSL Variant Classification Criteria 13 December 2019. Collection method: clinical testing. Allele origin: germline.